The following is an entry in ClinVar:

ClinVar aggregate classification (germline): Uncertain significance (1 of 4 stars; one submission).

Submission:

Ambry Genetics
Classification: Uncertain significance. Last evaluated: 2025-07-25. Review status: criteria provided, single submitter. Criteria: Ambry Variant Classification Scheme 2023. Collection method: clinical testing. Allele origin: germline.
Comment: The p.T1089I variant (also known as c.3266C>T), located in coding exon 12 of the WNK2 gene, results from a C to T substitution at nucleotide position 3266. The threonine at codon 1089 is replaced by isoleucine, an amino acid with similar properties. This amino acid position is conserved. In addition, this alteration is predicted to be tolerated by in silico analysis. Based on the available evidence, the clinical significance of this variant remains unclear.

NM_006648.4(WNK2):c.3266C>T (p.Thr1089Ile)

Gene: WNK2 (WNK lysine deficient protein kinase 2; plus strand). Cytogenetic location: 9q22.31.
Variant type: single nucleotide variant.
Coding change: c.3266C>T on transcript NM_006648.4 (MANE Select); coding-DNA position 3266, C replaced by T.
Protein change: p.Thr1089Ile; replaces threonine 1089 with isoleucine.
Molecular consequence: missense variant.
Genome position (GRCh38, 1-based): chr9:93,262,013, C>T. VCF-style: chr9-93262013-C-T. GRCh37 (hg19) VCF-style: chr9-96024295-C-T.
Other names: c.3266C>T, p.Thr1089Ile (NM_001282394.3); short protein forms T1089I.
Identifiers: ClinVar variation 4201661 (VCV004201661.1).